The following is an entry in ClinVar:

ClinVar aggregate classification (germline): Uncertain significance (1 of 4 stars; one submission).

Conditions:
Primary ciliary dyskinesia. Also called: Ciliary dyskinesia. Identifiers: Orphanet 244, MedGen C0008780, MONDO:0016575, HP:0012265.

Allele frequency attached by ClinVar (database versions not stated): gnomAD exomes 0.00001; TOPMed 0.00001; gnomAD 0.00002; ExAC 0.00003.
gnomAD v4.1: 22 of 1,595,622 alleles (0.0014%); highest among the groups gnomAD compares: Middle Eastern, 0.017%; no homozygotes.

Submission:

Labcorp Genetics (formerly Invitae), Labcorp
Classification: Uncertain significance for Primary ciliary dyskinesia. Last evaluated: 2021-08-27. Review status: criteria provided, single submitter. Criteria: Invitae Variant Classification Sherloc (09022015). Collection method: clinical testing. Allele origin: germline.
Comment: This sequence change replaces arginine with histidine at codon 829 of the CCDC39 protein (p.Arg829His). The arginine residue is moderately conserved and there is a small physicochemical difference between arginine and histidine. This variant is present in population databases (rs528863074, ExAC 0.005%). This variant has not been reported in the literature in individuals affected with CCDC39-related conditions. Algorithms developed to predict the effect of missense changes on protein structure and function are either unavailable or do not agree on the potential impact of this missense change (SIFT: "Deleterious"; PolyPhen-2: "Probably Damaging"; Align-GVGD: "Class C0"). In summary, the available evidence is currently insufficient to determine the role of this variant in disease. Therefore, it has been classified as a Variant of Uncertain Significance.

NM_181426.2(CCDC39):c.2486G>A (p.Arg829His)

Genes: CCDC39 (coiled-coil domain 39 molecular ruler complex subunit; minus strand), TTC14 (tetratricopeptide repeat domain 14; plus strand). Cytogenetic location: 3q26.33.
Variant type: single nucleotide variant.
Coding change: c.2486G>A on transcript NM_181426.2 (MANE Select); coding-DNA position 2486, G replaced by A.
Protein change: p.Arg829His; replaces arginine 829 with histidine.
Molecular consequence: missense variant. On other transcripts: intron variant (1).
Genome position (GRCh38, 1-based): chr3:180,616,616, C>T on the plus strand (G>A on the coding strand, the complement: CCDC39 is on the minus strand). VCF-style: chr3-180616616-C-T. GRCh37 (hg19) VCF-style: chr3-180334404-C-T.
Other names: c.1775-764C>T (NM_001288582.2); short protein forms R829H.
Identifiers: ClinVar variation 1062519 (VCV001062519.7), dbSNP rs528863074, ClinGen allele CA2715657.
Genomic context (GRCh38, chr3:180,616,616, plus strand): 5'-TTTTCTTCTATGATATCAACTAACATTTCATCAATAACTTTGTGAAACTGTTTCATTTCA[C>T]GAAGTTTGATGTCTTGTTCTTCCATTGTTTCATCTTTTGTGTCTTTCAAAAGACGGATTT-3'
Protein context (NP_852091.1, residues 819-839): ETMEEQDIKL[Arg829His]EMKQFHKVID